The following is an entry in ClinVar:

NM_152424.4(AMER1):c.2123C>A (p.Thr708Asn)

Gene: AMER1 (APC membrane recruitment protein 1; minus strand). Cytogenetic location: Xq11.2.
Variant type: single nucleotide variant.
Coding change: c.2123C>A on transcript NM_152424.4 (MANE Select); coding-DNA position 2123, C replaced by A.
Protein change: p.Thr708Asn; replaces threonine 708 with asparagine.
Molecular consequence: missense variant.
Genome position (GRCh38, 1-based): chrX:64,191,164, G>T on the plus strand (C>A on the coding strand, the complement: AMER1 is on the minus strand). VCF-style: chrX-64191164-G-T. GRCh37 (hg19) VCF-style: chrX-63411044-G-T.
Other names: short protein forms T708N.
Identifiers: ClinVar variation 1989358 (VCV001989358.4), dbSNP rs764261510, ClinGen allele CA10432234.

ClinVar aggregate classification (germline): Uncertain significance (1 of 4 stars; one submission).

Allele frequency attached by ClinVar (database versions not stated): gnomAD 0.00002; TOPMed 0.00002.
gnomAD v4.1: 9 of 1,210,768 alleles (0.00074%); highest among the groups gnomAD compares: African/African-American, 0.0035%; no homozygotes.

Submission:

Labcorp Genetics (formerly Invitae), Labcorp
Classification: Uncertain significance. Last evaluated: 2025-02-17. Review status: criteria provided, single submitter. Criteria: Invitae Variant Classification Sherloc (09022015). Collection method: clinical testing. Allele origin: germline.
Comment: This sequence change replaces threonine, which is neutral and polar, with asparagine, which is neutral and polar, at codon 708 of the AMER1 protein (p.Thr708Asn). This variant is present in population databases (rs764261510, gnomAD 0.01%), including at least one homozygous and/or hemizygous individual. This variant has not been reported in the literature in individuals affected with AMER1-related conditions. ClinVar contains an entry for this variant (Variation ID: 1989358). An algorithm developed to predict the effect of missense changes on protein structure and function outputs the following: PolyPhen-2: "Benign". The asparagine amino acid residue is found in multiple mammalian species, which suggests that this missense change does not adversely affect protein function. In summary, the available evidence is currently insufficient to determine the role of this variant in disease. Therefore, it has been classified as a Variant of Uncertain Significance.